The following is an entry in ClinVar:

NM_080680.3(COL11A2):c.1807C>T (p.Pro603Ser)

Gene: COL11A2 (collagen type XI alpha 2 chain; minus strand). Cytogenetic location: 6p21.32.
Variant type: single nucleotide variant.
Coding change: c.1807C>T on transcript NM_080680.3 (MANE Select); coding-DNA position 1807, C replaced by T.
Protein change: p.Pro603Ser; replaces proline 603 with serine.
Molecular consequence: missense variant.
Genome position (GRCh38, 1-based): chr6:33,178,319, G>A on the plus strand (C>T on the coding strand, the complement: COL11A2 is on the minus strand). VCF-style: chr6-33178319-G-A. GRCh37 (hg19) VCF-style: chr6-33146096-G-A.
Other names: c.1486C>T, p.Pro496Ser (NM_080679.3); c.1549C>T, p.Pro517Ser (NM_080681.3); short protein forms P496S, P517S, P603S.
Identifiers: ClinVar variation 1994903 (VCV001994903.3), dbSNP rs2535195161, ClinGen allele CA363657152.

ClinVar aggregate classification (germline): Uncertain significance (1 of 4 stars; one submission).

Submission:

Labcorp Genetics (formerly Invitae), Labcorp
Classification: Uncertain significance. Last evaluated: 2025-04-11. Review status: criteria provided, single submitter. Criteria: Invitae Variant Classification Sherloc (09022015). Collection method: clinical testing. Allele origin: germline.
Comment: This sequence change replaces proline, which is neutral and non-polar, with serine, which is neutral and polar, at codon 603 of the COL11A2 protein (p.Pro603Ser). This variant is not present in population databases (gnomAD no frequency). This variant has not been reported in the literature in individuals affected with COL11A2-related conditions. ClinVar contains an entry for this variant (Variation ID: 1994903). Invitae Evidence Modeling of protein sequence and biophysical properties (such as structural, functional, and spatial information, amino acid conservation, physicochemical variation, residue mobility, and thermodynamic stability) indicates that this missense variant is not expected to disrupt COL11A2 protein function with a negative predictive value of 95%. In summary, the available evidence is currently insufficient to determine the role of this variant in disease. Therefore, it has been classified as a Variant of Uncertain Significance.